The following is an entry in ClinVar:

NM_015629.4(PRPF31):c.795del (p.Ser266fs)

Gene: PRPF31 (pre-mRNA processing factor 31; plus strand). Cytogenetic location: 19q13.42.
Variant type: Deletion.
Coding change: c.795del on transcript NM_015629.4 (MANE Select); coding-DNA position 795, one base deleted (C; older notation c.795delC).
Protein change: p.Ser266fs; shifts the reading frame from serine 266.
Molecular consequence: frameshift variant.
Genome position (GRCh38, 1-based): chr19:54,124,596, C deleted; the last of 2 consecutive C bases (chr19:54,124,595-54,124,596); deleting either gives the same sequence. VCF-style (leftmost placement, unchanged base first): chr19-54124594-AC-A. GRCh37 (hg19) VCF-style: chr19-54627973-AC-A.
Other names: short protein forms S266fs.
Identifiers: ClinVar variation 1998134 (VCV001998134.4), dbSNP rs2516157956, ClinGen allele CA2580097784.

ClinVar aggregate classification (germline): Pathogenic (1 of 4 stars; one submission).

Submission:

Labcorp Genetics (formerly Invitae), Labcorp
Classification: Pathogenic. Last evaluated: 2024-10-25. Review status: criteria provided, single submitter. Criteria: Invitae Variant Classification Sherloc (09022015). Collection method: clinical testing. Allele origin: germline.
Comment: This sequence change creates a premature translational stop signal (p.Ser266Glnfs*55) in the PRPF31 gene. It is expected to result in an absent or disrupted protein product. Loss-of-function variants in PRPF31 are known to be pathogenic (PMID: 18317597, 23950152). This variant is not present in population databases (gnomAD no frequency). This variant has not been reported in the literature in individuals affected with PRPF31-related conditions. ClinVar contains an entry for this variant (Variation ID: 1998134). For these reasons, this variant has been classified as Pathogenic.

Literature cited by the submitters: PubMed 18317597; PubMed 23950152.